The following is an entry in ClinVar:

NM_021147.5(CCNO):c.724C>T (p.His242Tyr)

Gene: CCNO (cyclin O; minus strand). Cytogenetic location: 5q11.2.
Variant type: single nucleotide variant.
Coding change: c.724C>T on transcript NM_021147.5 (MANE Select); coding-DNA position 724, C replaced by T.
Protein change: p.His242Tyr; replaces histidine 242 with tyrosine.
Molecular consequence: missense variant. On other transcripts: non-coding transcript variant (3).
Genome position (GRCh38, 1-based): chr5:55,231,704, G>A on the plus strand (C>T on the coding strand, the complement: CCNO is on the minus strand). VCF-style: chr5-55231704-G-A. GRCh37 (hg19) VCF-style: chr5-54527532-G-A.
Other names: c.724C>T (NM_021147.3); short protein forms H242Y.
Identifiers: ClinVar variation 857063 (VCV000857063.9), dbSNP rs1745584991, ClinGen allele CA359721345.

ClinVar aggregate classification (germline): Uncertain significance. Review status: criteria provided, multiple submitters, no conflicts (2 of 4 stars). 2 submissions from 2 submitters: Uncertain significance (2). Last evaluated 2022-10-13.

Conditions:
Inborn genetic diseases. Identifiers: MedGen C0950123, MeSH D030342.
Primary ciliary dyskinesia. Also called: Ciliary dyskinesia. Identifiers: Orphanet 244, MedGen C0008780, MONDO:0016575, HP:0012265.

Allele frequency attached by ClinVar (database versions not stated): gnomAD 0.00001; gnomAD exomes 0.00001.
gnomAD v4.1: 6 of 1,578,230 alleles (0.00038%); highest among the groups gnomAD compares: Admixed American, 0.0019%; no homozygotes.

Submissions (2):

Labcorp Genetics (formerly Invitae), Labcorp
Classification: Uncertain significance for Primary ciliary dyskinesia. Last evaluated: 2022-10-13. Review status: criteria provided, single submitter. Criteria: Invitae Variant Classification Sherloc (09022015). Collection method: clinical testing. Allele origin: germline.
Comment: In summary, the available evidence is currently insufficient to determine the role of this variant in disease. Therefore, it has been classified as a Variant of Uncertain Significance. Advanced modeling of protein sequence and biophysical properties (such as structural, functional, and spatial information, amino acid conservation, physicochemical variation, residue mobility, and thermodynamic stability) performed at Invitae indicates that this missense variant is not expected to disrupt CCNO protein function. ClinVar contains an entry for this variant (Variation ID: 857063). This variant has not been reported in the literature in individuals affected with CCNO-related conditions. This variant is not present in population databases (gnomAD no frequency). This sequence change replaces histidine, which is basic and polar, with tyrosine, which is neutral and polar, at codon 242 of the CCNO protein (p.His242Tyr).

Ambry Genetics
Classification: Uncertain significance for Inborn genetic diseases. Last evaluated: 2022-10-07. Review status: criteria provided, single submitter. Criteria: Ambry Variant Classification Scheme 2023. Collection method: clinical testing. Allele origin: germline.